The following is an entry in ClinVar:

ClinVar aggregate classification (germline): Likely benign. Review status: criteria provided, single submitter (1 of 4 stars). 2 submissions from 2 submitters: Likely benign (1). 1 of the submissions does not count toward it. Last evaluated 2023-11-13.

Conditions:
RYR1-related disorder. Also called: RYR1-related condition; RYR1-related disorders. Identifiers: MedGen CN239331.

Submissions (2):

Labcorp Genetics (formerly Invitae), Labcorp
Classification: Likely benign for RYR1-related disorder. Last evaluated: 2023-11-13. Review status: criteria provided, single submitter. Criteria: Invitae Variant Classification Sherloc (09022015). Collection method: clinical testing. Allele origin: germline.

PreventionGenetics, part of Exact Sciences
Classification: Likely benign for RYR1-related condition. Last evaluated: 2021-06-08. Review status: no assertion criteria provided. Collection method: clinical testing. Allele origin: germline. Not counted in ClinVar's aggregate classification.
Comment: This variant is classified as likely benign based on ACMG/AMP sequence variant interpretation guidelines (Richards et al. 2015 PMID: 25741868, with internal and published modifications).

NM_000540.3(RYR1):c.369C>A (p.Ser123=)

Gene: RYR1 (ryanodine receptor 1; plus strand). Cytogenetic location: 19q13.2.
Variant type: single nucleotide variant.
Coding change: c.369C>A on transcript NM_000540.3 (MANE Select); coding-DNA position 369, C replaced by A.
Protein change: p.Ser123=; no amino-acid change (serine 123 retained).
Molecular consequence: synonymous variant.
Genome position (GRCh38, 1-based): chr19:38,443,741, C>A. VCF-style: chr19-38443741-C-A. GRCh37 (hg19) VCF-style: chr19-38934381-C-A.
Other names: c.369C>A, p.Ser123= (NM_001042723.2).
Identifiers: ClinVar variation 2867744 (VCV002867744.5), dbSNP rs2513972208, ClinGen allele CA507239229.